The following is an entry in ClinVar:

NM_015450.3(POT1):c.1494A>G (p.Ile498Met)

Gene: POT1 (protection of telomeres 1; minus strand). Cytogenetic location: 7q31.33.
Variant type: single nucleotide variant.
Coding change: c.1494A>G on transcript NM_015450.3 (MANE Select); coding-DNA position 1494, A replaced by G.
Protein change: p.Ile498Met; replaces isoleucine 498 with methionine.
Molecular consequence: missense variant. On other transcripts: non-coding transcript variant (3).
Genome position (GRCh38, 1-based): chr7:124,835,290, T>C on the plus strand (A>G on the coding strand, the complement: POT1 is on the minus strand). VCF-style: chr7-124835290-T-C. GRCh37 (hg19) VCF-style: chr7-124475344-T-C.
Other names: c.1101A>G, p.Ile367Met (NM_001042594.2); short protein forms I367M, I498M.
Identifiers: ClinVar variation 935652 (VCV000935652.12), dbSNP rs775892143, ClinGen allele CA4465109.
Genomic context (GRCh38, chr7:124,835,290, plus strand): 5'-TTAAAAGTATAATAAACAAAACAAAACAAAACAAAACAAAACAAAATACCCATAGTGATG[T>C]ATTGTTCCTTGTATAAGAAATGGTGCTGAAAGGTCCAAAAGTTCCAGGTCTTCGTGGCCA-3'
Protein context (NP_056265.2, residues 488-508): LSAPFLIQGT[Ile498Met]HHYGCKQCSS

ClinVar aggregate classification (germline): Uncertain significance. Review status: criteria provided, multiple submitters, no conflicts (2 of 4 stars). 3 submissions from 3 submitters: Uncertain significance (3). Last evaluated 2025-04-10.

Conditions:
Tumor predisposition syndrome 3 (TPDS3). Also called: Glioma susceptibility 9; LONG TELOMERE SYNDROME, POT1-RELATED; POT1 Tumor Predisposition; Melanoma, cutaneous malignant, susceptibility to, 10. Identifiers: Orphanet 618, MedGen C4014476, MONDO:0014368, OMIM 615848.
Hereditary cancer-predisposing syndrome. Also called: Neoplastic Syndromes, Hereditary; Tumor predisposition; Hereditary Cancer Syndrome; Hereditary neoplastic syndrome. Identifiers: Orphanet 140162, MedGen C0027672, MeSH D009386, MONDO:0015356.

Allele frequency attached by ClinVar (database versions not stated): gnomAD exomes below 0.00001; ExAC 0.00001.
gnomAD v4.1: 3 of 1,613,886 alleles (0.00019%); highest among the groups gnomAD compares: Non-Finnish European, 0.00017%; no homozygotes.

Submissions (3):

Labcorp Genetics (formerly Invitae), Labcorp
Classification: Uncertain significance for Tumor predisposition syndrome 3. Last evaluated: 2025-04-10. Review status: criteria provided, single submitter. Criteria: Invitae Variant Classification Sherloc (09022015). Collection method: clinical testing. Allele origin: germline.
Comment: This sequence change replaces isoleucine, which is neutral and non-polar, with methionine, which is neutral and non-polar, at codon 498 of the POT1 protein (p.Ile498Met). This variant is present in population databases (rs775892143, gnomAD 0.0009%). This variant has not been reported in the literature in individuals affected with POT1-related conditions. ClinVar contains an entry for this variant (Variation ID: 935652). Invitae Evidence Modeling of protein sequence and biophysical properties (such as structural, functional, and spatial information, amino acid conservation, physicochemical variation, residue mobility, and thermodynamic stability) indicates that this missense variant is not expected to disrupt POT1 protein function with a negative predictive value of 80%. In summary, the available evidence is currently insufficient to determine the role of this variant in disease. Therefore, it has been classified as a Variant of Uncertain Significance.

Ambry Genetics
Classification: Uncertain significance for Hereditary cancer-predisposing syndrome. Last evaluated: 2025-04-07. Review status: criteria provided, single submitter. Criteria: Ambry Variant Classification Scheme 2023. Collection method: clinical testing. Allele origin: germline.
Comment: The p.I498M variant (also known as c.1494A>G), located in coding exon 11 of the POT1 gene, results from an A to G substitution at nucleotide position 1494. The isoleucine at codon 498 is replaced by methionine, an amino acid with highly similar properties. This amino acid position is conserved. In addition, this alteration is predicted to be tolerated by in silico analysis. Since supporting evidence is limited at this time, the clinical significance of this alteration remains unclear.

GeneDx
Classification: Uncertain significance. Last evaluated: 2019-11-19. Review status: criteria provided, single submitter. Criteria: GeneDx Variant Classification Process June 2021. Collection method: clinical testing. Allele origin: germline. Affected: yes.
Comment: Not observed at a significant frequency in large population cohorts (Lek 2016); In silico analysis, which includes protein predictors and evolutionary conservation, supports that this variant does not alter protein structure/function; Has not been previously published as pathogenic or benign to our knowledge